The following is an entry in ClinVar:

NM_206933.4(USH2A):c.7156G>T (p.Val2386Phe)

Gene: USH2A (usherin; minus strand). Cytogenetic location: 1q41.
Variant type: single nucleotide variant.
Coding change: c.7156G>T on transcript NM_206933.4 (MANE Select); coding-DNA position 7156, G replaced by T.
Protein change: p.Val2386Phe; replaces valine 2386 with phenylalanine.
Molecular consequence: missense variant.
Genome position (GRCh38, 1-based): chr1:215,934,760, C>A on the plus strand (G>T on the coding strand, the complement: USH2A is on the minus strand). VCF-style: chr1-215934760-C-A. GRCh37 (hg19) VCF-style: chr1-216108102-C-A.
Other names: short protein forms V2386F.
Identifiers: ClinVar variation 554644 (VCV000554644.6), dbSNP rs199825458, ClinGen allele CA1394927.
Genomic context (GRCh38, chr1:215,934,760, plus strand): 5'-TAAAAGGAACCAGCCCATCGATGAGCACCCAAAGGTTTGTCTCTTCTCCGCTGTACATGA[C>A]TTTTGTGACATTCAGAAGGGTGTAGTTATTACCTACTGATTAAAAAAGAAAATTATTAAA-3'
Protein context (NP_996816.3, residues 2376-2396): NNYTLLNVTK[Val2386Phe]MYSGEETNLW

ClinVar aggregate classification (germline): Uncertain significance. Review status: criteria provided, multiple submitters, no conflicts (2 of 4 stars). 5 submissions from 4 submitters: Uncertain significance (4). 1 of the submissions does not count toward it. Last evaluated 2024-10-23.

Conditions:
Usher syndrome type 2A. Also called: RETINAL DISEASE IN USHER SYNDROME TYPE IIA, MODIFIER OF; USHER SYNDROME, TYPE IIA. Identifiers: Orphanet 231178, Orphanet 886, MedGen C1848634, MONDO:0010169, OMIM 276901.
Retinitis pigmentosa 39 (RP39). Identifiers: Orphanet 791, MedGen C3151138, MONDO:0013436, OMIM 613809.

Allele frequency attached by ClinVar (database versions not stated): ExAC 0.00001; gnomAD exomes 0.00001; TOPMed 0.00001.
gnomAD v4.1: 56 of 1,612,508 alleles (0.0035%); highest among the groups gnomAD compares: Non-Finnish European, 0.0047%; no homozygotes.

Submissions (5):

Blueprint Genetics
Classification: Uncertain significance. Last evaluated: 2024-10-23. Review status: criteria provided, single submitter. Criteria: ACMG Guidelines, 2015. Collection method: clinical testing. Allele origin: germline.

Genome-Nilou Lab
Classification: Uncertain significance for Retinitis pigmentosa 39. Last evaluated: 2023-11-04. Review status: criteria provided, single submitter. Criteria: ACMG Guidelines, 2015. Collection method: clinical testing. Allele origin: germline. Affected: no.

Genome-Nilou Lab
Classification: Uncertain significance for Usher syndrome type 2A. Last evaluated: 2023-11-04. Review status: criteria provided, single submitter. Criteria: ACMG Guidelines, 2015. Collection method: clinical testing. Allele origin: germline. Affected: no.

GeneDx
Classification: Uncertain significance. Last evaluated: 2022-03-04. Review status: criteria provided, single submitter. Criteria: GeneDx Variant Classification Process June 2021. Collection method: clinical testing. Allele origin: germline. Affected: yes.
Comment: Identified in a patient with retinitis pigmentosa in published literature, however, a second USH2A variant was not identified (Zhao et al., 2014); Not observed at significant frequency in large population cohorts (gnomAD); In silico analysis supports that this missense variant does not alter protein structure/function; This variant is associated with the following publications: (PMID: 25078356)

Counsyl
Classification: Uncertain significance for Usher syndrome type 2A; Retinitis pigmentosa 39. Last evaluated: 2017-10-27. Review status: no assertion criteria provided. Collection method: clinical testing. Allele origin: unknown. Not counted in ClinVar's aggregate classification.

Literature cited by the submitters: PubMed 25078356 (cited by Counsyl).